The following is an entry in ClinVar:

ClinVar aggregate classification (germline): Uncertain significance (1 of 4 stars; one submission).

Conditions:
Cardiovascular phenotype. Identifiers: MedGen CN230736.

Submission:

Ambry Genetics
Classification: Uncertain significance for Cardiovascular phenotype. Last evaluated: 2025-02-05. Review status: criteria provided, single submitter. Criteria: Ambry Variant Classification Scheme 2023. Collection method: clinical testing. Allele origin: germline.
Comment: The c.1027_1028delCT variant, located in coding exon 8 of the LAMA4 gene, results from a deletion of two nucleotides at nucleotide positions 1027 to 1028, causing a translational frameshift with a predicted alternate stop codon (p.L343Vfs*2). This alteration is expected to result in protein truncation or nonsense-mediated mRNA decay. However, loss of function of LAMA4 has not been established as a mechanism of disease. The evidence for this gene-disease relationship is limited; therefore, the clinical significance of this alteration is unclear.

NM_001105206.3(LAMA4):c.1048_1049del (p.Leu350fs)

Gene: LAMA4 (laminin subunit alpha 4; minus strand). Cytogenetic location: 6q21.
Variant type: Deletion.
Coding change: c.1048_1049del on transcript NM_001105206.3 (MANE Select); coding-DNA positions 1048 to 1049, 2 bases deleted (CT; older notation c.1048_1049delCT).
Protein change: p.Leu350fs; shifts the reading frame from leucine 350.
Molecular consequence: frameshift variant.
Genome position (GRCh38, 1-based): chr6:112,185,265-112,185,266, AG deleted on the plus strand (CT on the coding strand, the reverse complement: LAMA4 is on the minus strand); deleting any 2 consecutive bases within chr6:112,185,265-112,185,267 gives the same sequence; the c. name uses the placement nearest the transcript's 3' end. VCF-style (leftmost placement, unchanged base first): chr6-112185264-CAG-C. GRCh37 (hg19) VCF-style: chr6-112506466-CAG-C.
Other names: c.1027_1028del, p.Leu343fs (NM_001105207.3, NM_002290.5); c.1027_1028delCT (NM_002290.3); short protein forms L350fs, L343fs.
Identifiers: ClinVar variation 3866211 (VCV003866211.1).